The following is an entry in ClinVar:

ClinVar aggregate classification (germline): Uncertain significance (1 of 4 stars; one submission).

Submission:

GeneDx
Classification: Uncertain significance. Last evaluated: 2022-11-12. Review status: criteria provided, single submitter. Criteria: GeneDx Variant Classification Process June 2021. Collection method: clinical testing. Allele origin: germline. Affected: yes.
Comment: Not observed at significant frequency in large population cohorts (gnomAD); In silico analysis supports that this missense variant does not alter protein structure/function; Has not been previously published as pathogenic or benign to our knowledge

NM_001378183.1(PIEZO2):c.1986A>C (p.Glu662Asp)

Gene: PIEZO2 (piezo type mechanosensitive ion channel component 2; minus strand). Cytogenetic location: 18p11.22.
Variant type: single nucleotide variant.
Coding change: c.1986A>C on transcript NM_001378183.1 (MANE Select); coding-DNA position 1986, A replaced by C.
Protein change: p.Glu662Asp; replaces glutamic acid 662 with aspartic acid.
Molecular consequence: missense variant.
Genome position (GRCh38, 1-based): chr18:10,789,262, T>G on the plus strand (A>C on the coding strand, the complement: PIEZO2 is on the minus strand). VCF-style: chr18-10789262-T-G. GRCh37 (hg19) VCF-style: chr18-10789260-T-G.
Other names: c.1986A>C, p.Glu662Asp (NM_001410871.1, NM_022068.4); short protein forms E662D.
Identifiers: ClinVar variation 2501824 (VCV002501824.1), dbSNP rs2510743731, ClinGen allele CA401922113.